The following is an entry in ClinVar:

ClinVar aggregate classification (germline): Uncertain significance (1 of 4 stars; one submission).

Conditions:
Alpha thalassemia-X-linked intellectual disability syndrome (ATRX). Also called: ALPHA-THALASSEMIA/MENTAL RETARDATION SYNDROME, X-LINKED; ATR, NONDELETION TYPE; ATR-X syndrome; Alpha thalassemia mental retardation syndrome, nondeletion type, X-linked; XLMR hypotonic face syndrome; X-linked alpha-thalassemia-mental retardation syndrome. Identifiers: Orphanet 847, MedGen C1845055, MONDO:0010519, OMIM 301040.

Submission:

Labcorp Genetics (formerly Invitae), Labcorp
Classification: Uncertain significance for Alpha thalassemia-X-linked intellectual disability syndrome. Last evaluated: 2020-01-21. Review status: criteria provided, single submitter. Criteria: Invitae Variant Classification Sherloc (09022015). Collection method: clinical testing. Allele origin: germline.
Comment: In summary, the available evidence is currently insufficient to determine the role of this variant in disease. Therefore, it has been classified as a Variant of Uncertain Significance. Algorithms developed to predict the effect of missense changes on protein structure and function are either unavailable or do not agree on the potential impact of this missense change (SIFT: "Deleterious"; PolyPhen-2: "Possibly Damaging"; Align-GVGD: "Class C0"). This variant has not been reported in the literature in individuals with ATRX-related conditions. This variant is not present in population databases (ExAC no frequency). This sequence change replaces isoleucine with threonine at codon 1756 of the ATRX protein (p.Ile1756Thr). The isoleucine residue is highly conserved and there is a moderate physicochemical difference between isoleucine and threonine.

NM_000489.6(ATRX):c.5267T>C (p.Ile1756Thr)

Gene: ATRX (ATRX chromatin remodeler; minus strand). Cytogenetic location: Xq21.1.
Variant type: single nucleotide variant.
Coding change: c.5267T>C on transcript NM_000489.6 (MANE Select); coding-DNA position 5267, T replaced by C.
Protein change: p.Ile1756Thr; replaces isoleucine 1756 with threonine.
Molecular consequence: missense variant.
Genome position (GRCh38, 1-based): chrX:77,620,400, A>G on the plus strand (T>C on the coding strand, the complement: ATRX is on the minus strand). VCF-style: chrX-77620400-A-G. GRCh37 (hg19) VCF-style: chrX-76875868-A-G.
Other names: c.5153T>C, p.Ile1718Thr (NM_138270.5); short protein forms I1756T, I1718T.
Identifiers: ClinVar variation 1046984 (VCV001046984.11), dbSNP rs2067530352, ClinGen allele CA413701319.